The following is an entry in ClinVar:

ClinVar aggregate classification (germline): Likely pathogenic (0 of 4 stars; one submission).

Conditions:
Hypertrophic cardiomyopathy 4. Also called: Familial hypertrophic cardiomyopathy 4. Identifiers: MedGen C1861862, MONDO:0007268, OMIM 115197.

Submission:

National Reference Unit of Familial Cardiopathies (CSUR), Reference Unit for Rare Diseases (DiERCyL), University Hospital of Salamanca
Classification: Likely pathogenic for Hypertrophic cardiomyopathy 4. Review status: no assertion criteria provided. Collection method: clinical testing, research. Allele origin: germline, not applicable. Inheritance: Autosomal dominant inheritance. Affected: yes. Observed: 26 variant alleles. Functional consequence: splicing_variant.
Comment: The NM_000256.3:c.2308+227G>A variant in MYBPC3 disrupts pre-mRNA splicing by promoting the use of cryptic donor and acceptor splice sites, located downstream and upstream of the variant, respectively, which are already present in the intron 23. In summary, the variant meets our criteria to be classified as likely pathogenic based upon functional evidence.

Literature cited by the submitters: DOI 10.1093/eurheartj/ehae666.2055; DOI 10.1093/eurheartj/ehae666.2019.

NM_000256.3(MYBPC3):c.2308+227G>A

Gene: MYBPC3 (myosin binding protein C3; minus strand). Cytogenetic location: 11p11.2.
Variant type: single nucleotide variant.
Coding change: c.2308+227G>A on transcript NM_000256.3 (MANE Select); 227 bases into the intron after coding-DNA position 2308, G replaced by A.
Molecular consequence: intron variant.
Genome position (GRCh38, 1-based): chr11:47,338,293, C>T on the plus strand (G>A on the coding strand, the complement: MYBPC3 is on the minus strand). VCF-style: chr11-47338293-C-T. GRCh37 (hg19) VCF-style: chr11-47359844-C-T.
Identifiers: ClinVar variation 3906261 (VCV003906261.2).